The following is an entry in ClinVar:

ClinVar aggregate classification (germline): Uncertain significance (1 of 4 stars; one submission).

Submission:

Ambry Genetics
Classification: Uncertain significance. Last evaluated: 2022-05-18. Review status: criteria provided, single submitter. Criteria: Ambry Variant Classification Scheme 2023. Collection method: clinical testing. Allele origin: germline.
Comment: The p.D313H variant (also known as c.937G>C), located in coding exon 9 of the RAD54L gene, results from a G to C substitution at nucleotide position 937. The aspartic acid at codon 313 is replaced by histidine, an amino acid with similar properties. This amino acid position is conserved. In addition, the in silico prediction for this alteration is inconclusive. Since supporting evidence is limited at this time, the clinical significance of this alteration remains unclear.

NM_003579.4(RAD54L):c.937G>C (p.Asp313His)

Gene: RAD54L (RAD54 like; plus strand). Cytogenetic location: 1p34.1.
Variant type: single nucleotide variant.
Coding change: c.937G>C on transcript NM_003579.4 (MANE Select); coding-DNA position 937, G replaced by C.
Protein change: p.Asp313His; replaces aspartic acid 313 with histidine.
Molecular consequence: missense variant.
Genome position (GRCh38, 1-based): chr1:46,267,504, G>C. VCF-style: chr1-46267504-G-C. GRCh37 (hg19) VCF-style: chr1-46733176-G-C.
Other names: c.937G>C, p.Asp313His (NM_001142548.2); c.397G>C, p.Asp133His (NM_001370766.1); short protein forms D313H, D133H.
Identifiers: ClinVar variation 1766744 (VCV001766744.2), dbSNP rs2148294968, ClinGen allele CA340192206.